The following is an entry in ClinVar:

NM_001079802.2(FKTN):c.378G>A (p.Trp126Ter)

Gene: FKTN (fukutin; plus strand). Cytogenetic location: 9q31.2.
Variant type: single nucleotide variant.
Coding change: c.378G>A on transcript NM_001079802.2 (MANE Select); coding-DNA position 378, G replaced by A.
Protein change: p.Trp126Ter; replaces tryptophan 126 with a stop codon.
Molecular consequence: nonsense. On other transcripts: 5 prime UTR variant (4), non-coding transcript variant (2).
Genome position (GRCh38, 1-based): chr9:105,604,223, G>A. VCF-style: chr9-105604223-G-A. GRCh37 (hg19) VCF-style: chr9-108366504-G-A.
Other names: c.378G>A, p.Trp126Ter (NM_001198963.2, NM_001351496.2, NM_001351498.2 and 1 more transcripts); c.309G>A, p.Trp103Ter (NM_001351497.2); c.-19G>A (NM_001351499.2, NM_001351500.2, NM_001351501.2 and 1 more transcripts); short protein forms W103*, W126*.
Identifiers: ClinVar variation 1690821 (VCV001690821.2), dbSNP rs2132790782, ClinGen allele CA374331871.

ClinVar aggregate classification (germline): Likely pathogenic (1 of 4 stars; one submission).

Submission:

Laboratorio de Genetica e Diagnostico Molecular, Hospital Israelita Albert Einstein
Classification: Likely pathogenic. Last evaluated: 2020-02-22. Review status: criteria provided, single submitter. Criteria: ACMG Guidelines, 2015. Collection method: clinical testing. Allele origin: germline. Affected: yes.
Comment: ACMG classification criteria: PVS1, PM2